The following is an entry in ClinVar:

ClinVar aggregate classification (germline): Uncertain significance (1 of 4 stars; one submission).

gnomAD v4.1: 1 of 1,614,028 alleles (0.000062%); highest among the groups gnomAD compares: Non-Finnish European, 0.000085%; no homozygotes.

Submission:

Labcorp Genetics (formerly Invitae), Labcorp
Classification: Uncertain significance. Last evaluated: 2025-07-10. Review status: criteria provided, single submitter. Criteria: Invitae Variant Classification Sherloc (09022015). Collection method: clinical testing. Allele origin: germline.
Comment: This sequence change replaces valine, which is neutral and non-polar, with alanine, which is neutral and non-polar, at codon 158 of the KRT74 protein (p.Val158Ala). This variant is present in population databases (no rsID available, gnomAD 0.0009%). This variant has not been reported in the literature in individuals affected with KRT74-related conditions. An algorithm developed to predict the effect of missense changes on protein structure and function (PolyPhen-2) suggests that this variant is likely to be disruptive. Algorithms developed to predict the effect of sequence changes on RNA splicing suggest that this variant may create or strengthen a splice site. In summary, the available evidence is currently insufficient to determine the role of this variant in disease. Therefore, it has been classified as a Variant of Uncertain Significance.

NM_175053.4(KRT74):c.473T>C (p.Val158Ala)

Gene: KRT74 (keratin 74; minus strand). Cytogenetic location: 12q13.13.
Variant type: single nucleotide variant.
Coding change: c.473T>C on transcript NM_175053.4 (MANE Select); coding-DNA position 473, T replaced by C.
Protein change: p.Val158Ala; replaces valine 158 with alanine.
Molecular consequence: missense variant.
Genome position (GRCh38, 1-based): chr12:52,572,666, A>G on the plus strand (T>C on the coding strand, the complement: KRT74 is on the minus strand). VCF-style: chr12-52572666-A-G. GRCh37 (hg19) VCF-style: chr12-52966450-A-G.
Other names: short protein forms V158A.
Identifiers: ClinVar variation 4809277 (VCV004809277.1).
Genomic context (GRCh38, chr12:52,572,666, plus strand): 5'-AGCTGCTGCAGCAGCTCCCACTTGGTTTCTAGAACCTGGTTCTGCTGCTCTAGGAAGCGT[A>G]CCTGGAACCCAAATCAACAGACACCTGGAACCACAATGGGTGCAGTCATGCCCCCTGGAC-3'
Protein context (NP_778223.2, residues 148-168): NDKFASFIDK[Val158Ala]RFLEQQNQVL